The following is an entry in ClinVar:

NM_000245.4(MET):c.477C>A (p.His159Gln)

Gene: MET (MET proto-oncogene, receptor tyrosine kinase; plus strand). Cytogenetic location: 7q31.2.
Variant type: single nucleotide variant.
Coding change: c.477C>A on transcript NM_000245.4 (MANE Select); coding-DNA position 477, C replaced by A.
Protein change: p.His159Gln; replaces histidine 159 with glutamine.
Molecular consequence: missense variant. On other transcripts: intron variant (1).
Genome position (GRCh38, 1-based): chr7:116,699,561, C>A. VCF-style: chr7-116699561-C-A. GRCh37 (hg19) VCF-style: chr7-116339615-C-A.
Other names: c.477C>A, p.His159Gln (NM_001127500.3, NM_001324401.3); c.-91+26984C>A (NM_001324402.2); short protein forms H159Q.
Identifiers: ClinVar variation 660086 (VCV000660086.10), dbSNP rs1584876898, ClinGen allele CA368969167.

ClinVar aggregate classification (germline): Uncertain significance (1 of 4 stars; one submission).

Conditions:
Renal cell carcinoma. Identifiers: Orphanet 217071, MedGen C0007134, MeSH D002292, MONDO:0005086, HP:0005584.

Submission:

Labcorp Genetics (formerly Invitae), Labcorp
Classification: Uncertain significance for Renal cell carcinoma. Last evaluated: 2018-09-11. Review status: criteria provided, single submitter. Criteria: Invitae Variant Classification Sherloc (09022015). Collection method: clinical testing. Allele origin: germline.
Comment: In summary, the available evidence is currently insufficient to determine the role of this variant in disease. Therefore, it has been classified as a Variant of Uncertain Significance. Algorithms developed to predict the effect of missense changes on protein structure and function (SIFT, PolyPhen-2, Align-GVGD) all suggest that this variant is likely to be tolerated, but these predictions have not been confirmed by published functional studies and their clinical significance is uncertain. This variant has not been reported in the literature in individuals with MET-related disease. This variant is not present in population databases (ExAC no frequency). This sequence change replaces histidine with glutamine at codon 159 of the MET protein (p.His159Gln). The histidine residue is moderately conserved and there is a small physicochemical difference between histidine and glutamine.